The following is an entry in ClinVar:

NM_019066.5(MAGEL2):c.1407A>C (p.Pro469=)

Gene: MAGEL2 (MAGE family member L2; minus strand). Cytogenetic location: 15q11.2.
Variant type: single nucleotide variant.
Coding change: c.1407A>C on transcript NM_019066.5 (MANE Select); coding-DNA position 1407, A replaced by C.
Protein change: p.Pro469=; no amino-acid change (proline 469 retained).
Molecular consequence: synonymous variant.
Genome position (GRCh38, 1-based): chr15:23,646,336, T>G on the plus strand (A>C on the coding strand, the complement: MAGEL2 is on the minus strand). VCF-style: chr15-23646336-T-G. GRCh37 (hg19) VCF-style: chr15-23891483-T-G.
Identifiers: ClinVar variation 3025405 (VCV003025405.23), dbSNP rs1227406471, ClinGen allele CA711339338.

ClinVar aggregate classification (germline): Conflicting classifications of pathogenicity. Review status: criteria provided, conflicting classifications (1 of 4 stars). 2 submissions from 2 submitters: Uncertain significance (1); Likely benign (1). Last evaluated 2026-01-27.

Allele frequency attached by ClinVar (database versions not stated): gnomAD exomes below 0.00001.

Submissions (2):

Labcorp Genetics (formerly Invitae), Labcorp
Classification: Uncertain significance. Last evaluated: 2026-01-27. Review status: criteria provided, single submitter. Criteria: Invitae Variant Classification Sherloc (09022015). Collection method: clinical testing. Allele origin: germline.
Comment: This sequence change affects codon 469 of the MAGEL2 mRNA. It is a 'silent' change, meaning that it does not change the encoded amino acid sequence of the MAGEL2 protein. This variant is not present in population databases (gnomAD no frequency). This variant has not been reported in the literature in individuals affected with MAGEL2-related conditions. ClinVar contains an entry for this variant (Variation ID: 3025405). In summary, the available evidence is currently insufficient to determine the role of this variant in disease. Therefore, it has been classified as a Variant of Uncertain Significance.

CeGaT Center for Human Genetics Tuebingen
Classification: Likely benign. Last evaluated: 2024-01-01. Review status: criteria provided, single submitter. Criteria: CeGaT Center For Human Genetics Tuebingen Variant Classification Criteria Version 2. Collection method: clinical testing. Allele origin: germline. Affected: yes. Observed: 1 variant allele.
Comment: MAGEL2: BP4, BP7